The following is an entry in ClinVar:

ClinVar aggregate classification (germline): Likely benign. Review status: criteria provided, multiple submitters, no conflicts (2 of 4 stars). 6 submissions from 6 submitters: Likely benign (6). Last evaluated 2025-12-10.

Conditions:
Inborn genetic diseases. Identifiers: MedGen C0950123, MeSH D030342.
CACNA1G-related disorder. Also called: CACNA1G-related disorders; CACNA1G-related condition.

Allele frequency attached by ClinVar (database versions not stated): 1000 Genomes Project 30x 0.00031; 1000 Genomes Project 0.00040; ESP Exome Variant Server 0.00050; ExAC 0.00103.
gnomAD v4.1: 1,047 of 1,545,924 alleles (0.068%); highest among the groups gnomAD compares: Non-Finnish European, 0.084%; 1 homozygote.

Submissions (6):

Mayo Clinic Laboratories, Mayo Clinic
Classification: Likely benign. Last evaluated: 2025-12-10. Review status: criteria provided, single submitter. Criteria: ACMG Guidelines, 2015. Collection method: clinical testing. Allele origin: germline. Observed: 1 variant allele.
Comment: BS2, BP4_moderate

Labcorp Genetics (formerly Invitae), Labcorp
Classification: Likely benign. Last evaluated: 2025-10-24. Review status: criteria provided, single submitter. Criteria: Invitae Variant Classification Sherloc (09022015). Collection method: clinical testing. Allele origin: germline.

CeGaT Center for Human Genetics Tuebingen
Classification: Likely benign. Last evaluated: 2025-08-01. Review status: criteria provided, single submitter. Criteria: CeGaT Center For Human Genetics Tuebingen Variant Classification Criteria Version 2. Collection method: clinical testing. Allele origin: germline. Affected: yes. Observed: 4 variant alleles.
Comment: CACNA1G: BP4, BS1

PreventionGenetics, part of Exact Sciences
Classification: Likely benign for CACNA1G-related condition. Last evaluated: 2025-05-09. Review status: criteria provided, single submitter. Criteria: ACMG Guidelines, 2015. Collection method: clinical testing. Allele origin: germline.
Comment: This variant is classified as likely benign based on ACMG/AMP sequence variant interpretation guidelines (Richards et al. 2015 PMID: 25741868, with internal and published modifications).

Blueprint Genetics
Classification: Likely benign. Last evaluated: 2024-11-19. Review status: criteria provided, single submitter. Criteria: ACMG Guidelines, 2015. Collection method: clinical testing. Allele origin: germline.

Ambry Genetics
Classification: Likely benign for Inborn genetic diseases. Last evaluated: 2024-10-06. Review status: criteria provided, single submitter. Criteria: Ambry Variant Classification Scheme 2023. Collection method: clinical testing. Allele origin: germline.

NM_018896.5(CACNA1G):c.3265G>A (p.Ala1089Thr)

Gene: CACNA1G (calcium voltage-gated channel subunit alpha1 G; plus strand). Cytogenetic location: 17q21.33.
Variant type: single nucleotide variant.
Coding change: c.3265G>A on transcript NM_018896.5 (MANE Select); coding-DNA position 3265, G replaced by A.
Protein change: p.Ala1089Thr; replaces alanine 1089 with threonine.
Molecular consequence: missense variant. On other transcripts: non-coding transcript variant (5).
Genome position (GRCh38, 1-based): chr17:50,599,434, G>A. VCF-style: chr17-50599434-G-A. GRCh37 (hg19) VCF-style: chr17-48676795-G-A.
Other names: p.Ala1089Thr; c.3265G>A (NM_018896.4, NM_018896.3); c.3265G>A, p.Ala1089Thr (NM_001256324.2, NM_001256325.2, NM_001256326.2 and 16 more transcripts); c.3196G>A, p.Ala1066Thr (NM_001256332.2, NM_198376.3, NM_198379.3 and 5 more transcripts); short protein forms A1066T, A1089T.
Identifiers: ClinVar variation 1711441 (VCV001711441.39), dbSNP rs57225302, ClinGen allele CA8652686.